The following is an entry in ClinVar:

ClinVar aggregate classification (germline): Uncertain significance (1 of 4 stars; one submission).

Conditions:
Camptomelic dysplasia (CMPD). Also called: CMPD1/SRA1; Campomelic Dysplasia. Identifiers: Orphanet 140, MedGen C1861922, MONDO:0007251, OMIM 114290.

Submission:

New York Genome Center
Classification: Uncertain significance for Camptomelic dysplasia. Last evaluated: 2023-09-11. Review status: criteria provided, single submitter. Criteria: NYGC Assertion Criteria 2020. Collection method: clinical testing. Allele origin: inherited. Affected: yes. Observed: 1 variant allele, 1 heterozygote.
Comment: The c.505C>T variant identified in SOX9 has not previously been reported in the literature or public variant repositories (ClinVar and LOVD) and is absent from population databases (gnomAD v2.1.1 and v3.1.2, TOPMed Freeze 8), suggesting it is not a common benign variant in the populations represented in those databases. The c.505C>T variant is located in exon 2 of this 3-exon gene and is predicted to replace an evolutionarily conserved histidine amino acid with tyrosine (p.(His169Tyr))within the HMG box (DNA-binding) domain (aa 105-173) in the encoded protein [UniProt ID: P48436]. Other missense variants affecting the same residue,p.(His169Gln) and p.(His169Pro), have been reported in the literature in individuals with milder form of (A)campomelic campomelic dysplasia [PMID: 24038782.19033726]. In silico predictions are in favor of damaging effect for the p.(His169Tyr) variant [REVEL = 0.709]; however, there are no functional studies to support or refute these predictions. Based on available evidence, this heterozygous c.505C>T p.(His169Tyr) variant identified in SOX9 is classified as Variant of Uncertain Significance.

NM_000346.4(SOX9):c.505C>T (p.His169Tyr)

Gene: SOX9 (SRY-box transcription factor 9; plus strand). Cytogenetic location: 17q24.3.
Variant type: single nucleotide variant.
Coding change: c.505C>T on transcript NM_000346.4 (MANE Select); coding-DNA position 505, C replaced by T.
Protein change: p.His169Tyr; replaces histidine 169 with tyrosine.
Molecular consequence: missense variant.
Genome position (GRCh38, 1-based): chr17:72,122,792, C>T. VCF-style: chr17-72122792-C-T. GRCh37 (hg19) VCF-style: chr17-70118933-C-T.
Other names: short protein forms H169Y.
Identifiers: ClinVar variation 4888354 (VCV004888354.1).
Genomic context (GRCh38, chr17:72,122,792, plus strand): 5'-AGCGAGAAGCGGCCCTTCGTGGAGGAGGCGGAGCGGCTGCGCGTGCAGCACAAGAAGGAC[C>T]ACCCGGATTACAAGTACCAGCCGCGGCGGAGGAAGTCGGTGAAGAACGGGCAGGCGGAGG-3'
Protein context (NP_000337.1, residues 159-179): ERLRVQHKKD[His169Tyr]PDYKYQPRRR